The following is an entry in ClinVar:

NM_015335.5(MED13L):c.2483C>T (p.Ala828Val)

Gene: MED13L (mediator complex subunit 13L; minus strand). Cytogenetic location: 12q24.21.
Variant type: single nucleotide variant.
Coding change: c.2483C>T on transcript NM_015335.5 (MANE Select); coding-DNA position 2483, C replaced by T.
Protein change: p.Ala828Val; replaces alanine 828 with valine.
Molecular consequence: missense variant.
Genome position (GRCh38, 1-based): chr12:116,003,089, G>A on the plus strand (C>T on the coding strand, the complement: MED13L is on the minus strand). VCF-style: chr12-116003089-G-A. GRCh37 (hg19) VCF-style: chr12-116440894-G-A.
Other names: short protein forms A828V.
Identifiers: ClinVar variation 2791140 (VCV002791140.3), dbSNP rs1878844223, ClinGen allele CA386892042.

ClinVar aggregate classification (germline): Uncertain significance (1 of 4 stars; one submission).

Conditions:
Dextro-looped transposition of the great arteries. Also called: Dextrotransposition of the great arteries. Identifiers: Orphanet 860, MedGen C3531771, MONDO:0019443, OMIM 608808, HP:0031348.

Allele frequency attached by ClinVar (database versions not stated): gnomAD exomes below 0.00001.
gnomAD v4.1: 1 of 1,614,036 alleles (0.000062%); highest among the groups gnomAD compares: Non-Finnish European, 0.000085%; no homozygotes.

Submission:

Labcorp Genetics (formerly Invitae), Labcorp
Classification: Uncertain significance for Dextro-looped transposition of the great arteries. Last evaluated: 2023-03-20. Review status: criteria provided, single submitter. Criteria: Invitae Variant Classification Sherloc (09022015). Collection method: clinical testing. Allele origin: germline.
Comment: In summary, the available evidence is currently insufficient to determine the role of this variant in disease. Therefore, it has been classified as a Variant of Uncertain Significance. Advanced modeling of protein sequence and biophysical properties (such as structural, functional, and spatial information, amino acid conservation, physicochemical variation, residue mobility, and thermodynamic stability) performed at Invitae indicates that this missense variant is not expected to disrupt MED13L protein function. This variant has not been reported in the literature in individuals affected with MED13L-related conditions. This variant is not present in population databases (gnomAD no frequency). This sequence change replaces alanine, which is neutral and non-polar, with valine, which is neutral and non-polar, at codon 828 of the MED13L protein (p.Ala828Val).